The following is an entry in ClinVar:

NM_000059.4(BRCA2):c.10170G>C (p.Leu3390=)

Gene: BRCA2 (BRCA2 DNA repair associated; plus strand). Cytogenetic location: 13q13.1.
Variant type: single nucleotide variant.
Coding change: c.10170G>C on transcript NM_000059.4 (MANE Select); coding-DNA position 10170, G replaced by C.
Protein change: p.Leu3390=; no amino-acid change (leucine 3390 retained).
Molecular consequence: synonymous variant.
Genome position (GRCh38, 1-based): chr13:32,398,683, G>C. VCF-style: chr13-32398683-G-C. GRCh37 (hg19) VCF-style: chr13-32972820-G-C.
Identifiers: ClinVar variation 427418 (VCV000427418.15), dbSNP rs1131692138, ClinGen allele CA483439995.

ClinVar aggregate classification (germline): Likely benign. Review status: reviewed by expert panel (3 of 4 stars). 4 submissions from 4 submitters: Likely benign (1). 3 of the submissions do not count toward it. Last evaluated 2017-06-29.

Conditions:
Hereditary cancer-predisposing syndrome. Also called: Hereditary neoplastic syndrome; Hereditary Cancer Syndrome; Neoplastic Syndromes, Hereditary; Tumor predisposition. Identifiers: Orphanet 140162, MedGen C0027672, MeSH D009386, MONDO:0015356.
Breast-ovarian cancer, familial, susceptibility to, 2 (BROVCA2). Also called: BRCA2 Hereditary Breast and Ovarian Cancer. Identifiers: Orphanet 145, MedGen C2675520, MONDO:0012933, OMIM 612555. Disease mechanism: loss of function.
Hereditary breast ovarian cancer syndrome. Also called: Hereditary breast and ovarian cancer syndrome; BRCA1- and BRCA2-Associated Hereditary Breast and Ovarian Cancer; Hereditary breast and/or ovarian cancer syndrome; Hereditary breast and ovarian cancer; Breast and ovarian cancer; Hereditary breast and ovarian cancer syndrome (HBOC). Identifiers: Orphanet 145, MedGen C0677776, MeSH D061325, MONDO:0003582. Disease mechanism: loss of function.

Allele frequency attached by ClinVar (database versions not stated): gnomAD exomes below 0.00001; gnomAD 0.00001.
gnomAD v4.1: 3 of 1,614,004 alleles (0.00019%); highest among the groups gnomAD compares: Non-Finnish European, 0.00025%; no homozygotes.

Submissions (4):

Evidence-based Network for the Interpretation of Germline Mutant Alleles (ENIGMA)
Classification: Likely benign for Breast-ovarian cancer, familial, susceptibility to, 2. Last evaluated: 2017-06-29. Review status: reviewed by expert panel. Criteria: ENIGMA BRCA1/2 Classification Criteria (2017-06-29). Collection method: curation. Allele origin: germline.
Comment: Synonymous substitution variant, with low bioinformatic likelihood to result in a splicing aberration (Splicing prior probability 0.02).

Labcorp Genetics (formerly Invitae), Labcorp
Classification: Likely benign for Hereditary breast ovarian cancer syndrome. Last evaluated: 2023-02-21. Review status: criteria provided, single submitter. Criteria: Invitae Variant Classification Sherloc (09022015). Collection method: clinical testing. Allele origin: germline. Not counted in ClinVar's aggregate classification.

Ambry Genetics
Classification: Likely benign for Hereditary cancer-predisposing syndrome. Last evaluated: 2021-11-25. Review status: criteria provided, single submitter. Criteria: Ambry Variant Classification Scheme 2023. Collection method: clinical testing. Allele origin: germline. Not counted in ClinVar's aggregate classification.

GeneDx
Classification: Likely benign. Last evaluated: 2018-04-23. Review status: criteria provided, single submitter. Criteria: GeneDx Variant Classification (06012015). Collection method: clinical testing. Allele origin: germline. Affected: yes. Not counted in ClinVar's aggregate classification.
Comment: This variant is considered likely benign or benign based on one or more of the following criteria: it is a conservative change, it occurs at a poorly conserved position in the protein, it is predicted to be benign by multiple in silico algorithms, and/or has population frequency not consistent with disease.